The following is an entry in ClinVar:

ClinVar aggregate classification (germline): Benign (1 of 4 stars; one submission).

Allele frequency attached by ClinVar (database versions not stated): 1000 Genomes Project 0.01358; gnomAD 0.01576 and 0.01706; 1000 Genomes Project 30x 0.01577; TOPMed 0.01762.
gnomAD v4.1: 2,372 of 152,284 alleles (1.6%); highest among the groups gnomAD compares: African/African-American, 5.5%; 57 homozygotes.

Submission:

GeneDx
Classification: Benign. Last evaluated: 2018-06-19. Review status: criteria provided, single submitter. Criteria: GeneDx Variant Classification (06012015). Collection method: clinical testing. Allele origin: germline. Affected: yes.
Comment: This variant is considered likely benign or benign based on one or more of the following criteria: it is a conservative change, it occurs at a poorly conserved position in the protein, it is predicted to be benign by multiple in silico algorithms, and/or has population frequency not consistent with disease.

NM_014476.6(PDLIM3):c.662+172A>C

Gene: PDLIM3 (PDZ and LIM domain 3; minus strand). Cytogenetic location: 4q35.1.
Variant type: single nucleotide variant.
Coding change: c.662+172A>C on transcript NM_014476.6 (MANE Select); 172 bases into the intron after coding-DNA position 662, A replaced by C.
Molecular consequence: intron variant.
Genome position (GRCh38, 1-based): chr4:185,508,127, T>G on the plus strand (A>C on the coding strand, the complement: PDLIM3 is on the minus strand). VCF-style: chr4-185508127-T-G. GRCh37 (hg19) VCF-style: chr4-186429281-T-G.
Other names: c.162-1475A>C (NM_001257963.2); c.399-1475A>C (NM_001257962.2); c.519-1475A>C (NM_001114107.5).
Identifiers: ClinVar variation 676062 (VCV000676062.1), dbSNP rs141294734, ClinGen allele CA112044590.
Genomic context (GRCh38, chr4:185,508,127, plus strand): 5'-AATCACCTTTATCACCAAGCCTAGATATTTGCAATAAATCCTTAGTATTTTAAAAAAGCT[T>G]TTCACATAGCTTTCTTTCCAAGCCTAGATATTTGCAGTAAATCCTTAGTATTTTAAAAAA-3'